The following is an entry in ClinVar:

NM_004304.5(ALK):c.4097G>A (p.Trp1366Ter)

Gene: ALK (ALK receptor tyrosine kinase; minus strand). Cytogenetic location: 2p23.2.
Variant type: single nucleotide variant.
Coding change: c.4097G>A on transcript NM_004304.5 (MANE Select); coding-DNA position 4097, G replaced by A.
Protein change: p.Trp1366Ter; replaces tryptophan 1366 with a stop codon.
Molecular consequence: nonsense.
Genome position (GRCh38, 1-based): chr2:29,196,837, C>T on the plus strand (G>A on the coding strand, the complement: ALK is on the minus strand). VCF-style: chr2-29196837-C-T. GRCh37 (hg19) VCF-style: chr2-29419703-C-T.
Other names: c.893G>A, p.Trp298Ter (NM_001353765.2); short protein forms W1366*, W298*.
Identifiers: ClinVar variation 3645927 (VCV003645927.2).
Genomic context (GRCh38, chr2:29,196,837, plus strand): 5'-CAGTATTCAATCCTCTCCAAAATGATGGCAAAGTTGGGCCTGTCTTCAGGCTGATGTTGC[C>T]AGCACTGAGTCATTATCCGGTATCTAAAAGAAGAAGCACATTAATTAAAATAAGGAGAAG-3'

ClinVar aggregate classification (germline): Uncertain significance (1 of 4 stars; one submission).

Conditions:
Neuroblastoma, susceptibility to, 3. Also called: ALK-Related Neuroblastic Tumor Susceptibility. Identifiers: Orphanet 635, MedGen C2751681, MONDO:0013083, OMIM 613014.

Submission:

Labcorp Genetics (formerly Invitae), Labcorp
Classification: Uncertain significance for Neuroblastoma, susceptibility to, 3. Last evaluated: 2024-03-14. Review status: criteria provided, single submitter. Criteria: Invitae Variant Classification Sherloc (09022015). Collection method: clinical testing. Allele origin: germline.
Comment: This sequence change creates a premature translational stop signal (p.Trp1366*) in the ALK gene. It is expected to result in an absent or disrupted protein product. However, the current clinical and genetic evidence is not sufficient to establish whether loss-of-function variants in ALK cause disease. This variant is not present in population databases (gnomAD no frequency). This variant has not been reported in the literature in individuals affected with ALK-related conditions. In summary, the available evidence is currently insufficient to determine the role of this variant in disease. Therefore, it has been classified as a Variant of Uncertain Significance.